The following is an entry in ClinVar:

NM_001845.6(COL4A1):c.1340T>C (p.Ile447Thr)

Genes: COL4A1 (collagen type IV alpha 1 chain; minus strand), LOC126861856 (BRD4-independent group 4 enhancer GRCh37_chr13:110846747-110847946; plus strand). Cytogenetic location: 13q34.
Variant type: single nucleotide variant.
Coding change: c.1340T>C on transcript NM_001845.6 (MANE Select); coding-DNA position 1340, T replaced by C.
Protein change: p.Ile447Thr; replaces isoleucine 447 with threonine.
Molecular consequence: missense variant.
Genome position (GRCh38, 1-based): chr13:110,195,064, A>G on the plus strand (T>C on the coding strand, the complement: COL4A1 is on the minus strand). VCF-style: chr13-110195064-A-G. GRCh37 (hg19) VCF-style: chr13-110847411-A-G.
Other names: c.1340T>C, p.Ile447Thr (NM_001303110.2); short protein forms I447T.
Identifiers: ClinVar variation 1414809 (VCV001414809.8), dbSNP rs2139183046, ClinGen allele CA388723749.
Genomic context (GRCh38, chr13:110,195,064, plus strand): 5'-AAAAATCAAAATTTCTTACCTTTCTCTCCAATTTCGCCTATAAATCCTGGCTGCCCTGGA[A>G]TTCCAGGAGGACCCTGGTCACCTGGAGGTCCGGGCTGACATTCCACAATTCCATCTGAAA-3'
Protein context (NP_001836.3, residues 437-457): GPPGDQGPPG[Ile447Thr]PGQPGFIGEI

ClinVar aggregate classification (germline): Uncertain significance (1 of 4 stars; one submission).

Allele frequency attached by ClinVar (database versions not stated): gnomAD exomes below 0.00001.
gnomAD v4.1: 7 of 1,614,210 alleles (0.00043%); highest among the groups gnomAD compares: Non-Finnish European, 0.00059%; no homozygotes.

Submission:

Labcorp Genetics (formerly Invitae), Labcorp
Classification: Uncertain significance. Last evaluated: 2022-08-16. Review status: criteria provided, single submitter. Criteria: Invitae Variant Classification Sherloc (09022015). Collection method: clinical testing. Allele origin: germline.
Comment: In summary, the available evidence is currently insufficient to determine the role of this variant in disease. Therefore, it has been classified as a Variant of Uncertain Significance. Advanced modeling of protein sequence and biophysical properties (such as structural, functional, and spatial information, amino acid conservation, physicochemical variation, residue mobility, and thermodynamic stability) performed at Invitae indicates that this missense variant is not expected to disrupt COL4A1 protein function. ClinVar contains an entry for this variant (Variation ID: 1414809). This variant has not been reported in the literature in individuals affected with COL4A1-related conditions. This variant is not present in population databases (gnomAD no frequency). This sequence change replaces isoleucine, which is neutral and non-polar, with threonine, which is neutral and polar, at codon 447 of the COL4A1 protein (p.Ile447Thr).